The following is an entry in ClinVar:

NM_006939.4(SOS2):c.1965C>T (p.Asp655=)

Gene: SOS2 (SOS Ras/Rho guanine nucleotide exchange factor 2; minus strand). Cytogenetic location: 14q21.3.
Variant type: single nucleotide variant.
Coding change: c.1965C>T on transcript NM_006939.4 (MANE Select); coding-DNA position 1965, C replaced by T.
Protein change: p.Asp655=; no amino-acid change (aspartic acid 655 retained).
Molecular consequence: synonymous variant.
Genome position (GRCh38, 1-based): chr14:50,157,091, G>A on the plus strand (C>T on the coding strand, the complement: SOS2 is on the minus strand). VCF-style: chr14-50157091-G-A. GRCh37 (hg19) VCF-style: chr14-50623809-G-A.
Other names: c.1866C>T, p.Asp622= (NM_001411020.1); c.1965C>T (NM_006939.2).
Identifiers: ClinVar variation 1984513 (VCV001984513.27), dbSNP rs763672521, ClinGen allele CA7177188.

ClinVar aggregate classification (germline): Likely benign. Review status: criteria provided, multiple submitters, no conflicts (2 of 4 stars). 3 submissions from 3 submitters: Likely benign (3). Last evaluated 2025-12-30.

Conditions:
Noonan syndrome 9 (NS9). Identifiers: Orphanet 648, MedGen C4225282, MONDO:0014691, OMIM 616559.
Cardiovascular phenotype. Identifiers: MedGen CN230736.

Allele frequency attached by ClinVar (database versions not stated): gnomAD 0.00001; ExAC 0.00002.
gnomAD v4.1: 18 of 1,612,028 alleles (0.0011%); highest among the groups gnomAD compares: South Asian, 0.0066%; no homozygotes.

Submissions (3):

Ambry Genetics
Classification: Likely benign for Cardiovascular phenotype. Last evaluated: 2025-12-30. Review status: criteria provided, single submitter. Criteria: Ambry Variant Classification Scheme 2023. Collection method: clinical testing. Allele origin: germline.

Labcorp Genetics (formerly Invitae), Labcorp
Classification: Likely benign for Noonan syndrome 9. Last evaluated: 2025-10-15. Review status: criteria provided, single submitter. Criteria: Invitae Variant Classification Sherloc (09022015). Collection method: clinical testing. Allele origin: germline.

CeGaT Center for Human Genetics Tuebingen
Classification: Likely benign. Last evaluated: 2023-05-01. Review status: criteria provided, single submitter. Criteria: CeGaT Center For Human Genetics Tuebingen Variant Classification Criteria Version 2. Collection method: clinical testing. Allele origin: germline. Affected: yes. Observed: 1 variant allele.
Comment: SOS2: BP4, BP7